The following is an entry in ClinVar:

NM_001164508.2(NEB):c.7421A>C (p.Asn2474Thr)

Gene: NEB (nebulin; minus strand). Cytogenetic location: 2q23.3.
Variant type: single nucleotide variant.
Coding change: c.7421A>C on transcript NM_001164508.2 (MANE Select); coding-DNA position 7421, A replaced by C.
Protein change: p.Asn2474Thr; replaces asparagine 2474 with threonine.
Molecular consequence: missense variant.
Genome position (GRCh38, 1-based): chr2:151,650,186, T>G on the plus strand (A>C on the coding strand, the complement: NEB is on the minus strand). VCF-style: chr2-151650186-T-G. GRCh37 (hg19) VCF-style: chr2-152506700-T-G.
Other names: c.7421A>C, p.Asn2474Thr (NM_001164507.2, NM_001271208.2, NM_004543.5); short protein forms N2474T.
Identifiers: ClinVar variation 2063453 (VCV002063453.4), dbSNP rs776901478, ClinGen allele CA348787515.

ClinVar aggregate classification (germline): Uncertain significance (1 of 4 stars; one submission).

Conditions:
Nemaline myopathy 2 (NEM2). Also called: Nemaline myopathy 2, autosomal recessive. Identifiers: MedGen C1850569, MONDO:0009725, OMIM 256030.

gnomAD v4.1: 1 of 1,613,720 alleles (0.000062%); highest among the groups gnomAD compares: Non-Finnish European, 0.000085%; no homozygotes.

Submission:

Labcorp Genetics (formerly Invitae), Labcorp
Classification: Uncertain significance for Nemaline myopathy 2. Last evaluated: 2022-06-24. Review status: criteria provided, single submitter. Criteria: Invitae Variant Classification Sherloc (09022015). Collection method: clinical testing. Allele origin: germline.
Comment: This variant has not been reported in the literature in individuals affected with NEB-related conditions. This sequence change replaces asparagine, which is neutral and polar, with threonine, which is neutral and polar, at codon 2474 of the NEB protein (p.Asn2474Thr). This variant is not present in population databases (gnomAD no frequency). Algorithms developed to predict the effect of missense changes on protein structure and function are either unavailable or do not agree on the potential impact of this missense change (SIFT: "Deleterious"; PolyPhen-2: "Not Available"; Align-GVGD: "Class C0"). In summary, the available evidence is currently insufficient to determine the role of this variant in disease. Therefore, it has been classified as a Variant of Uncertain Significance.